The following is an entry in ClinVar:

ClinVar aggregate classification (germline): Uncertain significance. Review status: criteria provided, multiple submitters, no conflicts (2 of 4 stars). 2 submissions from 2 submitters: Uncertain significance (2). Last evaluated 2024-02-25.

Conditions:
Hereditary pancreatitis (PCTT). Also called: PRSS1-Related Hereditary Pancreatitis; Hereditary chronic pancreatitis. Identifiers: Orphanet 676, MedGen C0238339, MONDO:0008185, OMIM 167800.

Submissions (2):

Ambry Genetics
Classification: Uncertain significance for Hereditary pancreatitis. Last evaluated: 2024-02-25. Review status: criteria provided, single submitter. Criteria: Ambry Variant Classification Scheme 2023. Collection method: clinical testing. Allele origin: germline.
Comment: The p.S239F variant (also known as c.716C>T), located in coding exon 7 of the CTRC gene, results from a C to T substitution at nucleotide position 716. The serine at codon 239 is replaced by phenylalanine, an amino acid with highly dissimilar properties. This amino acid position is conserved. In addition, this alteration is predicted to be deleterious by in silico analysis. Based on the available evidence, the clinical significance of this alteration remains unclear.

ARUP Laboratories, Molecular Genetics and Genomics, ARUP Laboratories
Classification: Uncertain significance for Hereditary pancreatitis. Last evaluated: 2019-08-02. Review status: criteria provided, single submitter. Criteria: ARUP Molecular Germline Variant Investigation Process. Collection method: clinical testing. Allele origin: germline.
Comment: The CTRC c.716C>T; p.Ser239Phe variant, to our knowledge, is not reported in the medical literature or gene-specific databases. This variant is also absent from general population databases (Exome Variant Server, Genome Aggregation Database), indicating it is not a common polymorphism. The serine at codon 239 is highly conserved, and computational analyses (SIFT, PolyPhen-2) predict that this variant is deleterious. Additionally, other amino acid substitutions at this codon (p.Ser239Ala, p.Ser239Cys) have been reported in individuals with pancreatitis (Masamune 2013), and functional assays demonstrate deficient enzymatic activity of p.Ser239Cys, although p.Ser239Ala exhibits normal activity (Szabo 2015). However, given the lack of clinical and functional data, the significance of the p.Ser239Phe variant is uncertain at this time. References: Masamune A et al. Identification of novel missense CTRC variants in Japanese patients with chronic pancreatitis. Gut. 2013 Apr;62(4):653-4. Szabo A et al. Mesotrypsin Signature Mutation in a Chymotrypsin C (CTRC) Variant Associated with Chronic Pancreatitis. J Biol Chem. 2015 Jul 10;290(28):17282-92.

NM_007272.3(CTRC):c.716C>T (p.Ser239Phe)

Gene: CTRC (chymotrypsin C; plus strand). Cytogenetic location: 1p36.21.
Variant type: single nucleotide variant.
Coding change: c.716C>T on transcript NM_007272.3 (MANE Select); coding-DNA position 716, C replaced by T.
Protein change: p.Ser239Phe; replaces serine 239 with phenylalanine.
Molecular consequence: missense variant.
Genome position (GRCh38, 1-based): chr1:15,445,673, C>T. VCF-style: chr1-15445673-C-T. GRCh37 (hg19) VCF-style: chr1-15772168-C-T.
Other names: c.716C>T (NM_007272.2); short protein forms S239F.
Identifiers: ClinVar variation 994018 (VCV000994018.9), dbSNP rs1708205861, ClinGen allele CA338567835.
Genomic context (GRCh38, chr1:15,445,673, plus strand): 5'-CACTGAACTGCCAGTTGGAGAACGGTTCCTGGGAGGTGTTTGGCATCGTCAGCTTTGGCT[C>T]CCGGCGGGGCTGCAACACCCGCAAGAAGCCGGTAGTCTACACCCGGGTGTCCGCCTACAT-3'
Protein context (NP_009203.2, residues 229-249): WEVFGIVSFG[Ser239Phe]RRGCNTRKKP